The following is an entry in ClinVar:

ClinVar aggregate classification (germline): Uncertain significance (1 of 4 stars; one submission).

Conditions:
Cystic fibrosis (CF). Also called: MUCOVISCIDOSIS. Identifiers: Orphanet 586, MedGen C0010674, MONDO:0009061, OMIM 219700. Disease mechanism: loss of function.

Allele frequency attached by ClinVar (database versions not stated): gnomAD exomes below 0.00001.
gnomAD v4.1: 2 of 1,614,066 alleles (0.00012%); highest among the groups gnomAD compares: Non-Finnish European, 0.00017%; no homozygotes.

Submission:

Ambry Genetics
Classification: Uncertain significance for Cystic fibrosis. Last evaluated: 2023-09-29. Review status: criteria provided, single submitter. Criteria: Ambry Variant Classification Scheme 2023. Collection method: clinical testing. Allele origin: germline.
Comment: The p.S1359C variant (also known as c.4076C>G), located in coding exon 25 of the CFTR gene, results from a C to G substitution at nucleotide position 4076. The serine at codon 1359 is replaced by cysteine, an amino acid with dissimilar properties. This amino acid position is highly conserved in available vertebrate species. In addition, this alteration is predicted to be deleterious by in silico analysis. Since supporting evidence is limited at this time, the clinical significance of this alteration remains unclear.

NM_000492.4(CFTR):c.4076C>G (p.Ser1359Cys)

Gene: CFTR (CF transmembrane conductance regulator; plus strand). Cytogenetic location: 7q31.2.
Variant type: single nucleotide variant.
Coding change: c.4076C>G on transcript NM_000492.4 (MANE Select); coding-DNA position 4076, C replaced by G.
Protein change: p.Ser1359Cys; replaces serine 1359 with cysteine.
Molecular consequence: missense variant.
Genome position (GRCh38, 1-based): chr7:117,664,800, C>G. VCF-style: chr7-117664800-C-G. GRCh37 (hg19) VCF-style: chr7-117304854-C-G.
Other names: short protein forms S1359C.
Identifiers: ClinVar variation 1737584 (VCV001737584.2), dbSNP rs1429889418, ClinGen allele CA368982700.
Genomic context (GRCh38, chr7:117,664,800, plus strand): 5'-TTGTGGATGGGGGCTGTGTCCTAAGCCATGGCCACAAGCAGTTGATGTGCTTGGCTAGAT[C>G]TGTTCTCAGTAAGGCGAAGATCTTGCTGCTTGATGAACCCAGTGCTCATTTGGATCCAGT-3'
Protein context (NP_000483.3, residues 1349-1369): GHKQLMCLAR[Ser1359Cys]VLSKAKILLL